The following continues an entry in ClinVar:

NM_138694.4(PKHD1):c.2341C>T (p.Arg781Ter)

Gene: PKHD1. ClinVar aggregate classification (germline): Pathogenic. Pathogenic (18).

Submissions 15 to 23 of 23:

Genome Diagnostics Laboratory, University Medical Center Utrecht
Classification: Pathogenic for Polycystic kidney disease 4. Last evaluated: 2014-10-08. Review status: criteria provided, single submitter. Criteria: ACGS Guidelines, 2013. Collection method: clinical testing. Allele origin: germline. Affected: yes. Study: VKGL Data-share Consensus.

Baylor Genetics
Classification: Pathogenic for Polycystic kidney disease 4. Review status: criteria provided, single submitter. Criteria: ACMG Guidelines, 2015. Collection method: clinical testing. Allele origin: germline.

Juno Genomics, Hangzhou Juno Genomics, Inc
Classification: Pathogenic for Polycystic kidney disease 4. Review status: criteria provided, single submitter. Criteria: ACMG Guidelines, 2015. Collection method: clinical testing. Allele origin: germline. Affected: yes.
Comment: Absent from controls (or at extremely low frequency if recessive) in Genome Aggregation Database.;Null variant in a gene where loss of function (LOF) is a known mechanism of disease.;For recessive disorders, detected in trans with a pathogenic variant.

Lifecell International Pvt. Ltd
Classification: Pathogenic for Polycystic kidney disease 4. Review status: criteria provided, single submitter. Criteria: ACMG Guidelines, 2015. Collection method: clinical testing. Allele origin: germline. Inheritance: Autosomal recessive inheritance. Affected: yes. Observed: 1 homozygote.
Comment: A Homozygote Nonsense variant c.2341C>T in Exon 23 of the PKHD1 gene that results in the amino acid substitution p.Arg781* was identified. The observed variant has a maximum allele frequency of 0.00004/0.00 % in gnomAD exomes and genomes, respectively. The severity of the impact of this variant on the protein is high, based on the effect of the protein and REVEL score . Rare Exome Variant Ensemble Learner (REVEL) is an ensembl method for predicting the pathogenicity of missense variants based on a combination of scores from 13 individual tools: MutPred, FATHMM v2.3, VEST 3.0, PolyPhen-2, SIFT, PROVEAN, MutationAssessor, MutationTaster, LRT, GERP++, SiPhy, phyloP, and phastCons. The REVEL score for an individual missense variant can range from 0 to 1, with higher scores reflecting greater likelihood that the variant is disease-causing. This sequence change creates a premature translational stop signal (p.Arg781*) in the PKHD1 gene. It is expected to result in an absent or disrupted protein product. Loss-of-function variants in PKHD1 are known to be pathogenic (Denamur E et al., 2010). This premature translational stop signal has been observed in individual(s) with polycystic kidney disease (PKD) and features suggestive of PKD (Sharp AM et al., 2005, Hao X et al., 2014). ClinVar has also classified this variant as Pathogenic (ClinVar ID: 96387). Based on the above evidence this variant has been classified as Pathogenic according to the ACMG guidelines.

PreventionGenetics, part of Exact Sciences
Classification: Pathogenic for PKHD1-related condition. Last evaluated: 2024-07-22. Review status: no assertion criteria provided. Collection method: clinical testing. Allele origin: germline. Not counted in ClinVar's aggregate classification.
Comment: The PKHD1 c.2341C>T variant is predicted to result in premature protein termination (p.Arg781*). This variant was reported in individuals with autosomal recessive polycystic kidney disease (ARPKD) (Sharp et al. 2005. PubMed ID: 15805161; Hao et al. 2014. PubMed ID: 24710345; Fang et al. 2017. PubMed ID: 28578020). This variant is reported in 0.0062% of alleles in individuals of African descent in gnomAD. Nonsense variants in PKHD1 are expected to be pathogenic. This variant is interpreted as pathogenic.

Laboratory of Gastroenterology and Hepatology, Radboud University Medical Center
Classification: Pathogenic for Autosomal dominant polycystic kidney disease. Last evaluated: 2021-09-01. Review status: no assertion criteria provided. Collection method: research. Allele origin: germline. Affected: yes. Not counted in ClinVar's aggregate classification.

Genome Diagnostics Laboratory, Amsterdam University Medical Center
Classification: Pathogenic for Polycystic kidney disease 4. Last evaluated: 2016-03-14. Review status: no assertion criteria provided. Criteria: ACGS Guidelines, 2013. Collection method: clinical testing. Allele origin: germline. Affected: yes. Study: VKGL Data-share Consensus. Not counted in ClinVar's aggregate classification.

Clinical Genetics DNA and cytogenetics Diagnostics Lab, Erasmus MC, Erasmus Medical Center
Classification: Pathogenic. Review status: no assertion criteria provided. Collection method: clinical testing. Allele origin: germline. Affected: yes. Study: VKGL Data-share Consensus. Not counted in ClinVar's aggregate classification.

Joint Genome Diagnostic Labs from Nijmegen and Maastricht, Radboudumc and MUMC+
Classification: Pathogenic. Review status: no assertion criteria provided. Collection method: clinical testing. Allele origin: germline. Affected: yes. Study: VKGL Data-share Consensus. Not counted in ClinVar's aggregate classification.

Literature cited by the submitters: PubMed 15805161 (cited by 6 submitters); PubMed 29801666 (cited by Natera, Inc.); PubMed 34031707 (cited by Natera, Inc.); PubMed 19940839 (cited by 3 submitters); PubMed 24710345 (cited by 3 submitters); PubMed 28578020 (cited by 3 submitters); PubMed 29956005 (cited by Labcorp Genetics (formerly Invitae), Labcorp and Mayo Clinic Laboratories, Mayo Clinic); PubMed 15698423 (cited by 3 submitters); PubMed 16133180 (cited by 3 submitters); PubMed 31328266 (cited by Mayo Clinic Laboratories, Mayo Clinic); PubMed 32939031 (cited by Mayo Clinic Laboratories, Mayo Clinic); PubMed 33123899 (cited by Mayo Clinic Laboratories, Mayo Clinic); PubMed 36307859 (cited by Mayo Clinic Laboratories, Mayo Clinic).